The following is an entry in ClinVar:

ClinVar aggregate classification (germline): Uncertain significance (1 of 4 stars; one submission).

gnomAD v4.1: 3 of 1,613,916 alleles (0.00019%); highest among the groups gnomAD compares: Non-Finnish European, 0.00025%; no homozygotes.

Submission:

Labcorp Genetics (formerly Invitae), Labcorp
Classification: Uncertain significance. Last evaluated: 2025-03-01. Review status: criteria provided, single submitter. Criteria: Invitae Variant Classification Sherloc (09022015). Collection method: clinical testing. Allele origin: germline.
Comment: This sequence change replaces serine, which is neutral and polar, with phenylalanine, which is neutral and non-polar, at codon 1629 of the RAI1 protein (p.Ser1629Phe). This variant is not present in population databases (gnomAD no frequency). This variant has not been reported in the literature in individuals affected with RAI1-related conditions. An algorithm developed to predict the effect of missense changes on protein structure and function (PolyPhen-2) suggests that this variant is likely to be tolerated. In summary, the available evidence is currently insufficient to determine the role of this variant in disease. Therefore, it has been classified as a Variant of Uncertain Significance.

NM_030665.4(RAI1):c.4886C>T (p.Ser1629Phe)

Gene: RAI1 (retinoic acid induced 1; plus strand). Cytogenetic location: 17p11.2.
Variant type: single nucleotide variant.
Coding change: c.4886C>T on transcript NM_030665.4 (MANE Select); coding-DNA position 4886, C replaced by T.
Protein change: p.Ser1629Phe; replaces serine 1629 with phenylalanine.
Molecular consequence: missense variant.
Genome position (GRCh38, 1-based): chr17:17,797,834, C>T. VCF-style: chr17-17797834-C-T. GRCh37 (hg19) VCF-style: chr17-17701148-C-T.
Other names: short protein forms S1629F.
Identifiers: ClinVar variation 4768012 (VCV004768012.1).
Genomic context (GRCh38, chr17:17,797,834, plus strand): 5'-CCATATGCACTGTTGTCAACTCCCCTGGAGATGCGCCCAAGCCCCACAGGAAGCCTTCCT[C>T]CTCTGCCTCCTCTTCCTCATCCTCGTCCTCGTTCTCCTTGGATGCAGCCGGGGCCTCCCT-3'
Protein context (NP_109590.3, residues 1619-1639): DAPKPHRKPS[Ser1629Phe]SASSSSSSSS